The following is an entry in ClinVar:

NM_001029883.3(PCARE):c.1024G>A (p.Gly342Ser)

Gene: PCARE (photoreceptor cilium actin regulator; minus strand). Cytogenetic location: 2p23.2.
Variant type: single nucleotide variant.
Coding change: c.1024G>A on transcript NM_001029883.3 (MANE Select); coding-DNA position 1024, G replaced by A.
Protein change: p.Gly342Ser; replaces glycine 342 with serine.
Molecular consequence: missense variant.
Genome position (GRCh38, 1-based): chr2:29,073,238, C>T on the plus strand (G>A on the coding strand, the complement: PCARE is on the minus strand). VCF-style: chr2-29073238-C-T. GRCh37 (hg19) VCF-style: chr2-29296104-C-T.
Other names: short protein forms G342S.
Identifiers: ClinVar variation 335666 (VCV000335666.11), dbSNP rs748520550, ClinGen allele CA1592518.

ClinVar aggregate classification (germline): Uncertain significance. Review status: criteria provided, multiple submitters, no conflicts (2 of 4 stars). 3 submissions from 3 submitters: Uncertain significance (3). Last evaluated 2024-01-19.

Conditions:
Retinitis pigmentosa (RP). Identifiers: Orphanet 791, MedGen C0035334, MeSH D012174, MONDO:0019200, OMIM 268000. Inheritance: Autosomal dominant, autosomal recessive and X linked inheritance.

Allele frequency attached by ClinVar (database versions not stated): gnomAD 0.00006; gnomAD exomes 0.00007 and 0.00003; TOPMed 0.00002; ExAC 0.00004.
gnomAD v4.1: 56 of 1,613,862 alleles (0.0035%); highest among the groups gnomAD compares: Admixed American, 0.032%; no homozygotes.

Submissions (3):

Blueprint Genetics
Classification: Uncertain significance. Last evaluated: 2024-01-19. Review status: criteria provided, single submitter. Criteria: ACMG Guidelines, 2015. Collection method: clinical testing. Allele origin: germline.

Labcorp Genetics (formerly Invitae), Labcorp
Classification: Uncertain significance. Last evaluated: 2023-10-03. Review status: criteria provided, single submitter. Criteria: Invitae Variant Classification Sherloc (09022015). Collection method: clinical testing. Allele origin: germline.
Comment: This sequence change replaces glycine, which is neutral and non-polar, with serine, which is neutral and polar, at codon 342 of the PCARE protein (p.Gly342Ser). This variant is present in population databases (rs748520550, gnomAD 0.03%). This variant has not been reported in the literature in individuals affected with PCARE-related conditions. ClinVar contains an entry for this variant (Variation ID: 335666). An algorithm developed to predict the effect of missense changes on protein structure and function (PolyPhen-2) suggests that this variant is likely to be disruptive. In summary, the available evidence is currently insufficient to determine the role of this variant in disease. Therefore, it has been classified as a Variant of Uncertain Significance.

Illumina Laboratory Services, Illumina
Classification: Uncertain significance for Retinitis pigmentosa. Last evaluated: 2018-01-13. Review status: criteria provided, single submitter. Criteria: ICSL Variant Classification Criteria 13 December 2019. Collection method: clinical testing. Allele origin: germline.